The following is an entry in ClinVar:

ClinVar aggregate classification (germline): Pathogenic/Likely pathogenic. Review status: criteria provided, multiple submitters, no conflicts (2 of 4 stars). 2 submissions from 2 submitters: Pathogenic (1); Likely pathogenic (1). Last evaluated 2026-01-14.

Conditions:
Autosomal recessive polycystic kidney disease (ARPKD). Also called: AR polycystic kidney disease. Identifiers: Orphanet 731, Orphanet 8378, MedGen C0085548, MeSH D017044, MONDO:0009889.

Submissions (2):

Natera, Inc.
Classification: Likely pathogenic for Autosomal recessive polycystic kidney disease. Last evaluated: 2026-01-14. Review status: criteria provided, single submitter. Criteria: Natera Variant Classification Schema (03/2026). Collection method: clinical testing. Allele origin: germline.
Comment: The c.1350del variant in PKHD1 is a frameshift variant predicted to shift the reading frame beginning at codon 451 and leads to a stop codon 11 codons downstream. This variant is expected to result in nonsense mediated decay, truncation, or a dysfunctional protein product. This variant is rare in the general population with a frequency below the threshold expected for the associated phenotype(s). Given the available evidence, this variant is classified as Likely Pathogenic.

Labcorp Genetics (formerly Invitae), Labcorp
Classification: Pathogenic for Autosomal recessive polycystic kidney disease. Last evaluated: 2021-12-17. Review status: criteria provided, single submitter. Criteria: Invitae Variant Classification Sherloc (09022015). Collection method: clinical testing. Allele origin: germline.
Comment: For these reasons, this variant has been classified as Pathogenic. This variant has not been reported in the literature in individuals affected with PKHD1-related conditions. This variant is not present in population databases (gnomAD no frequency). This sequence change creates a premature translational stop signal (p.Met451Cysfs*11) in the PKHD1 gene. It is expected to result in an absent or disrupted protein product. Loss-of-function variants in PKHD1 are known to be pathogenic (PMID: 19940839).

Literature cited by the submitters: PubMed 19940839 (cited by Labcorp Genetics (formerly Invitae), Labcorp).

NM_138694.4(PKHD1):c.1350del (p.Met451fs)

Gene: PKHD1 (PKHD1 ciliary IPT domain containing fibrocystin/polyductin; minus strand). Cytogenetic location: 6p12.2.
Variant type: Deletion.
Coding change: c.1350del on transcript NM_138694.4 (MANE Select); coding-DNA position 1350, one base deleted (C; older notation c.1350delC).
Protein change: p.Met451fs; shifts the reading frame from methionine 451.
Molecular consequence: frameshift variant.
Genome position (GRCh38, 1-based): chr6:52,058,485, G deleted on the plus strand (C on the coding strand, the reverse complement: PKHD1 is on the minus strand); the first of 2 consecutive G bases (chr6:52,058,485-52,058,486); deleting either gives the same sequence. VCF-style (leftmost placement, unchanged base first): chr6-52058484-TG-T. GRCh37 (hg19) VCF-style: chr6-51923282-TG-T.
Other names: c.1350del, p.Met451fs (NM_170724.3); c.1350del (NM_138694.3); short protein forms M451fs.
Identifiers: ClinVar variation 2044719 (VCV002044719.6), dbSNP rs2533371061, ClinGen allele CA2580075609.
Genomic context (GRCh38, chr6:52,058,484, plus strand): 5'-CACCAATCCTCATCCCCCTGCTTGGGGCTATCCCATGATGCTCTGCTTCCAGGTAGTACA[TG>T]GCTCCACCCAACAGCTCCAACTTGGGAGTCTTCTGCTGCCAGGTCCCTTCATCCCTATTC-3'